The following is an entry in ClinVar:

NM_001367805.3(KIF23):c.2367G>T (p.Glu789Asp)

Gene: KIF23 (kinesin family member 23; plus strand). Cytogenetic location: 15q23.
Variant type: single nucleotide variant.
Coding change: c.2367G>T on transcript NM_001367805.3 (MANE Select); coding-DNA position 2367, G replaced by T.
Protein change: p.Glu789Asp; replaces glutamic acid 789 with aspartic acid.
Molecular consequence: missense variant. On other transcripts: non-coding transcript variant (1), intron variant (1).
Genome position (GRCh38, 1-based): chr15:69,441,025, G>T. VCF-style: chr15-69441025-G-T. GRCh37 (hg19) VCF-style: chr15-69733364-G-T.
Other names: c.1995G>T, p.Glu665Asp (NM_001281301.2); c.2325G>T, p.Glu775Asp (NM_001367804.2, NM_138555.4); c.2067+538G>T (NM_004856.7); short protein forms E665D, E775D, E789D.
Identifiers: ClinVar variation 2809024 (VCV002809024.3), dbSNP rs920770742, ClinGen allele CA393011117.

ClinVar aggregate classification (germline): Uncertain significance (1 of 4 stars; one submission).

Submission:

Labcorp Genetics (formerly Invitae), Labcorp
Classification: Uncertain significance. Last evaluated: 2023-03-01. Review status: criteria provided, single submitter. Criteria: Invitae Variant Classification Sherloc (09022015). Collection method: clinical testing. Allele origin: germline.
Comment: In summary, the available evidence is currently insufficient to determine the role of this variant in disease. Therefore, it has been classified as a Variant of Uncertain Significance. An algorithm developed to predict the effect of missense changes on protein structure and function (PolyPhen-2) suggests that this variant is likely to be tolerated. This variant has not been reported in the literature in individuals affected with KIF23-related conditions. This variant is not present in population databases (gnomAD no frequency). This sequence change replaces glutamic acid, which is acidic and polar, with aspartic acid, which is acidic and polar, at codon 775 of the KIF23 protein (p.Glu775Asp).